The following is an entry in ClinVar:

NM_000153.4(GALC):c.255T>A (p.Tyr85Ter)

Gene: GALC (galactosylceramidase; minus strand). Cytogenetic location: 14q31.3.
Variant type: single nucleotide variant.
Coding change: c.255T>A on transcript NM_000153.4 (MANE Select); coding-DNA position 255, T replaced by A.
Protein change: p.Tyr85Ter; replaces tyrosine 85 with a stop codon.
Molecular consequence: nonsense. On other transcripts: 5 prime UTR variant (4), non-coding transcript variant (1), intron variant (1).
Genome position (GRCh38, 1-based): chr14:87,988,464, A>T on the plus strand (T>A on the coding strand, the complement: GALC is on the minus strand). VCF-style: chr14-87988464-A-T. GRCh37 (hg19) VCF-style: chr14-88454808-A-T.
Other names: c.177T>A, p.Tyr59Ter (NM_001201402.2); c.87T>A, p.Tyr29Ter (NM_001424071.1, NM_001424072.1, NM_001424073.1); c.-94T>A (NM_001424074.1); c.-182T>A (NM_001424075.1); c.-413T>A (NM_001424076.1, NM_001424077.1); c.196-257T>A (NM_001201401.2); short protein forms Y29*, Y59*, Y85*.
Identifiers: ClinVar variation 2855809 (VCV002855809.3), dbSNP rs2503528053, ClinGen allele CA390753335.
Genomic context (GRCh38, chr14:87,988,464, plus strand): 5'-TCCAATTTCTAAAATATCACAGGTACCATGAAATAATTATGTTTTCATTACCTTAAAGAG[A>T]TAATCCAATATCTGAGAACGATAGGGCTCTGGGTAATTTACTAGAAGTCGGGAGGTTGCC-3'

ClinVar aggregate classification (germline): Pathogenic (1 of 4 stars; one submission).

Conditions:
Galactosylceramide beta-galactosidase deficiency. Also called: GALC DEFICIENCY; GLOBOID CELL LEUKOENCEPHALOPATHY; Krabbe Disease; Leukodystrophy, Globoid Cell; GALACTOCEREBROSIDASE DEFICIENCY. Identifiers: Orphanet 487, MedGen C0023521, MONDO:0009499, OMIM 245200.

Submission:

Labcorp Genetics (formerly Invitae), Labcorp
Classification: Pathogenic for Galactosylceramide beta-galactosidase deficiency. Last evaluated: 2023-04-13. Review status: criteria provided, single submitter. Criteria: Invitae Variant Classification Sherloc (09022015). Collection method: clinical testing. Allele origin: germline.
Comment: For these reasons, this variant has been classified as Pathogenic. This variant has not been reported in the literature in individuals affected with GALC-related conditions. This variant is not present in population databases (gnomAD no frequency). This sequence change creates a premature translational stop signal (p.Tyr85*) in the GALC gene. It is expected to result in an absent or disrupted protein product. Loss-of-function variants in GALC are known to be pathogenic (PMID: 7437911, 9272171, 16607461).

Literature cited by the submitters: PubMed 7437911; PubMed 9272171; PubMed 16607461.